The following is an entry in ClinVar:

NM_004006.3(DMD):c.1066C>T (p.Leu356Phe)

Gene: DMD (dystrophin; minus strand). Cytogenetic location: Xp21.1.
Variant type: single nucleotide variant.
Coding change: c.1066C>T on transcript NM_004006.3 (MANE Select); coding-DNA position 1066, C replaced by T.
Protein change: p.Leu356Phe; replaces leucine 356 with phenylalanine.
Molecular consequence: missense variant.
Genome position (GRCh38, 1-based): chrX:32,645,047, G>A on the plus strand (C>T on the coding strand, the complement: DMD is on the minus strand). VCF-style: chrX-32645047-G-A. GRCh37 (hg19) VCF-style: chrX-32663164-G-A.
Other names: c.1042C>T, p.Leu348Phe (NM_000109.4); c.1054C>T, p.Leu352Phe (NM_004009.3); c.697C>T, p.Leu233Phe (NM_004010.3); short protein forms L356F, L348F, L233F, L352F.
Identifiers: ClinVar variation 409929 (VCV000409929.15), dbSNP rs199981454, ClinGen allele CA10379978.

ClinVar aggregate classification (germline): Likely benign. Review status: criteria provided, multiple submitters, no conflicts (2 of 4 stars). 5 submissions from 5 submitters: Likely benign (4). 1 of the submissions does not count toward it. Last evaluated 2026-06-15.

Conditions:
Becker muscular dystrophy (BMD). Also called: MUSCULAR DYSTROPHY, PSEUDOHYPERTROPHIC PROGRESSIVE, BECKER TYPE; Becker Muscular Dystrophy (BMD). Identifiers: Orphanet 98895, MedGen C0917713, MONDO:0010311, OMIM 300376.
Dystrophin deficiency.
Cardiomyopathy (CMYO). Also called: Cardiomyopathies. Identifiers: Orphanet 167848, MedGen C0878544, MONDO:0004994, HP:0001638. Inheritance: Various modes of inheritance.
Duchenne muscular dystrophy (DMD). Also called: MUSCULAR DYSTROPHY, PSEUDOHYPERTROPHIC PROGRESSIVE, DUCHENNE TYPE; Duchenne Muscular Dystrophy (DMD). Identifiers: Orphanet 98896, MedGen C0013264, MONDO:0010679, OMIM 310200.
Cardiovascular phenotype. Identifiers: MedGen CN230736.

Allele frequency attached by ClinVar (database versions not stated): gnomAD exomes 0.00003 and 0.00011; ExAC 0.00005; gnomAD 0.00006; TOPMed 0.00006.
gnomAD v4.1: 119 of 1,209,960 alleles (0.0098%); highest among the groups gnomAD compares: Non-Finnish European, 0.013%; no homozygotes.

Submissions (5):

Women's Health and Genetics/Laboratory Corporation of America, LabCorp
Classification: Likely benign. Last evaluated: 2026-06-15. Review status: criteria provided, single submitter. Criteria: LabCorp Variant Classification Summary - May 2015. Collection method: clinical testing. Allele origin: germline.
Comment: Variant summary: DMD c.1066C>T (p.Leu356Phe) results in a non-conservative amino acid change in the encoded protein sequence. Algorithms developed to predict the effect of missense changes on protein structure and function are either unavailable or do not agree on the potential impact of this missense change. The variant allele was found at a frequency of 3.3e-05 in 183383 control chromosomes. The available data on variant occurrences in the general population are insufficient to allow any conclusion about variant significance. To our knowledge, no experimental evidence demonstrating its impact on protein function have been reported. ClinVar contains an entry for this variant (Variation ID: 409929). Based on the evidence outlined above, the variant was classified as likely benign.

Labcorp Genetics (formerly Invitae), Labcorp
Classification: Likely benign for Duchenne muscular dystrophy. Last evaluated: 2025-12-01. Review status: criteria provided, single submitter. Criteria: Invitae Variant Classification Sherloc (09022015). Collection method: clinical testing. Allele origin: germline.

Revvity Omics, Revvity
Classification: Likely benign. Last evaluated: 2025-01-22. Review status: criteria provided, single submitter. Criteria: ACMG Guidelines, 2015. Collection method: clinical testing. Allele origin: germline.

Ambry Genetics
Classification: Likely benign for Cardiovascular phenotype. Last evaluated: 2020-02-03. Review status: criteria provided, single submitter. Criteria: Ambry Variant Classification Scheme 2023. Collection method: clinical testing. Allele origin: germline.

Natera, Inc.
Classification: Uncertain significance for Becker muscular dystrophy; Cardiomyopathy; Duchenne muscular dystrophy; Dystrophin deficiency. Last evaluated: 2018-05-07. Review status: no assertion criteria provided. Collection method: clinical testing. Allele origin: germline. Not counted in ClinVar's aggregate classification.